The following is an entry in ClinVar:

NM_000090.4(COL3A1):c.2381G>A (p.Arg794His)

Genes: COL3A1 (collagen type III alpha 1 chain; plus strand), LOC126806446 (P300/CBP strongly-dependent group 1 enhancer GRCh37_chr2:189866210-189867409; plus strand). Cytogenetic location: 2q32.2.
Variant type: single nucleotide variant.
Coding change: c.2381G>A on transcript NM_000090.4 (MANE Select); coding-DNA position 2381, G replaced by A.
Protein change: p.Arg794His; replaces arginine 794 with histidine.
Molecular consequence: missense variant.
Genome position (GRCh38, 1-based): chr2:189,001,579, G>A. VCF-style: chr2-189001579-G-A. GRCh37 (hg19) VCF-style: chr2-189866305-G-A.
Other names: p.Arg794His; short protein forms R794H.
Identifiers: ClinVar variation 432085 (VCV000432085.14), dbSNP rs1332613006, ClinGen allele CA349842540.

ClinVar aggregate classification (germline): Uncertain significance. Review status: criteria provided, multiple submitters, no conflicts (2 of 4 stars). 4 submissions from 4 submitters: Uncertain significance (4). Last evaluated 2025-09-05.

Conditions:
Ehlers-Danlos syndrome, type 4 (EDSVASC). Also called: Ehlers-Danlos Syndrome Type IV; Ehlers-Danlos syndrome vascular type; Ehlers Danlos syndrome, ecchymotic type; Ehlers Danlos syndrome, arterial type; Ehlers Danlos syndrome, Sack-Barabas type. Identifiers: Orphanet 286, MedGen C0268338, MONDO:0017314, OMIM 130050.
Familial thoracic aortic aneurysm and aortic dissection (TAAD). Also called: Thoracic aortic aneurysms and dissections. Identifiers: Orphanet 91387, MedGen C4707243, MONDO:0019625.

Allele frequency attached by ClinVar (database versions not stated): gnomAD exomes below 0.00001.
gnomAD v4.1: 10 of 1,613,966 alleles (0.00062%); highest among the groups gnomAD compares: South Asian, 0.0011%; no homozygotes.

Submissions (4):

Ambry Genetics
Classification: Uncertain significance for Familial thoracic aortic aneurysm and aortic dissection. Last evaluated: 2025-09-05. Review status: criteria provided, single submitter. Criteria: Ambry Variant Classification Scheme 2023. Collection method: clinical testing. Allele origin: germline.
Comment: The p.R794H variant (also known as c.2381G>A), located in coding exon 34 of the COL3A1 gene, results from a G to A substitution at nucleotide position 2381. The arginine at codon 794 is replaced by histidine, an amino acid with highly similar properties. This amino acid position is highly conserved in available vertebrate species. In addition, the in silico prediction for this alteration is inconclusive. Based on the available evidence, the clinical significance of this variant remains unclear.

Labcorp Genetics (formerly Invitae), Labcorp
Classification: Uncertain significance for Ehlers-Danlos syndrome, type 4. Last evaluated: 2024-07-10. Review status: criteria provided, single submitter. Criteria: Invitae Variant Classification Sherloc (09022015). Collection method: clinical testing. Allele origin: germline.
Comment: This sequence change replaces arginine, which is basic and polar, with histidine, which is basic and polar, at codon 794 of the COL3A1 protein (p.Arg794His). This variant is present in population databases (no rsID available, gnomAD 0.0009%). This variant has not been reported in the literature in individuals affected with COL3A1-related conditions. ClinVar contains an entry for this variant (Variation ID: 432085). Advanced modeling of protein sequence and biophysical properties (such as structural, functional, and spatial information, amino acid conservation, physicochemical variation, residue mobility, and thermodynamic stability) has been performed at Invitae for this missense variant, however the output from this modeling did not meet the statistical confidence thresholds required to predict the impact of this variant on COL3A1 protein function. In summary, the available evidence is currently insufficient to determine the role of this variant in disease. Therefore, it has been classified as a Variant of Uncertain Significance.

Mayo Clinic Laboratories, Mayo Clinic
Classification: Uncertain significance. Last evaluated: 2023-12-27. Review status: criteria provided, single submitter. Criteria: ACMG Guidelines, 2015. Collection method: clinical testing. Allele origin: germline. Observed: 1 variant allele.
Comment: PP3, PM2

GeneDx
Classification: Uncertain significance. Last evaluated: 2017-05-25. Review status: criteria provided, single submitter. Criteria: GeneDx Variant Classification (06012015). Collection method: clinical testing. Allele origin: germline. Affected: yes.
Comment: A variant of uncertain significance has been identified in the COL3A1 gene. The R794H variant has not been published as pathogenic or been reported as benign to our knowledge. This variant is not observed in large population cohorts (Lek et al., 2016; 1000 Genomes Consortium et al., 2015; Exome Variant Server). The R794H substitution occurs at a position that is conserved across species and in silico analysis predicts this variant is probably damaging to the protein structure/function. Nevertheless, the R794H variant is a conservative amino acid substitution, which is not likely to impact secondary protein structure as these residues share similar properties. Additionally, although the R794H variant is located in the triple helical region of the COL3A1 gene, it does not affect a Glycine residue in a Gly-X-Y motif, where the majority of pathogenic missense variants occur (Stenson et al., 2014; Symoens et al., 2012).